The following is an entry in ClinVar:

NM_032977.4(CASP10):c.1192A>T (p.Ile398Phe)

Gene: CASP10 (caspase 10; plus strand). Cytogenetic location: 2q33.1.
Variant type: single nucleotide variant.
Coding change: c.1192A>T on transcript NM_032977.4 (MANE Select); coding-DNA position 1192, A replaced by T.
Protein change: p.Ile398Phe; replaces isoleucine 398 with phenylalanine.
Molecular consequence: missense variant. On other transcripts: 3 prime UTR variant (1).
Genome position (GRCh38, 1-based): chr2:201,209,339, A>T. VCF-style: chr2-201209339-A-T. GRCh37 (hg19) VCF-style: chr2-202074062-A-T.
Other names: c.991A>T, p.Ile331Phe (NM_001206524.2); c.1063A>T, p.Ile355Phe (NM_001206542.2, NM_001230.5); c.1192A>T, p.Ile398Phe (NM_032974.5); c.*278A>T (NM_032976.4); short protein forms I398F, I331F, I355F.
Identifiers: ClinVar variation 5001102 (VCV005001102.1).
Genomic context (GRCh38, chr2:201,209,339, plus strand): 5'-ATGTCTCACTTCACAGCCCTGCAGTGCCCTAGACTGGCTGAAAAACCTAAACTCTTTTTC[A>T]TCCAGGCCTGCCAAGGTGAAGAGATACAGCCTTCCGTATCCATCGAAGCAGATGCTCTGA-3'
Protein context (NP_116759.2, residues 388-408): RLAEKPKLFF[Ile398Phe]QACQGEEIQP

ClinVar aggregate classification (germline): Uncertain significance (1 of 4 stars; one submission).

Conditions:
CASP10-related disorder. Also called: CASP10-related condition.

Submission:

PreventionGenetics, part of Exact Sciences
Classification: Uncertain significance for CASP10-related condition. Last evaluated: 2025-01-24. Review status: criteria provided, single submitter. Criteria: ACMG Guidelines, 2015. Collection method: clinical testing. Allele origin: germline.
Comment: The CASP10 c.1192A>T variant is predicted to result in the amino acid substitution p.Ile398Phe. To our knowledge, this variant has not been reported in the literature or in a large population database (gnomAD), indicating this variant is rare. At this time, the clinical significance of this variant is uncertain due to the absence of conclusive functional and genetic evidence.